The following is an entry in ClinVar:

NM_001376.5(DYNC1H1):c.11520A>G (p.Leu3840=)

Gene: DYNC1H1 (dynein cytoplasmic 1 heavy chain 1; plus strand). Cytogenetic location: 14q32.31.
Variant type: single nucleotide variant.
Coding change: c.11520A>G on transcript NM_001376.5 (MANE Select); coding-DNA position 11520, A replaced by G.
Protein change: p.Leu3840=; no amino-acid change (leucine 3840 retained).
Molecular consequence: synonymous variant.
Genome position (GRCh38, 1-based): chr14:102,039,471, A>G. VCF-style: chr14-102039471-A-G. GRCh37 (hg19) VCF-style: chr14-102505808-A-G.
Identifiers: ClinVar variation 210862 (VCV000210862.15), dbSNP rs369351359, ClinGen allele CA208711.

ClinVar aggregate classification (germline): Conflicting classifications of pathogenicity. Review status: criteria provided, conflicting classifications (1 of 4 stars). 5 submissions from 5 submitters: Uncertain significance (1); Likely benign (4). Last evaluated 2025-07-10.

Conditions:
DYNC1H1-related disorder. Also called: DYNC1H1-related disorders; DYNC1H1-related condition. Identifiers: MedGen CN381529.
Charcot-Marie-Tooth disease axonal type 2O. Also called: CHARCOT-MARIE-TOOTH NEUROPATHY, AXONAL, TYPE 2O; CHARCOT-MARIE-TOOTH DISEASE, AXONAL, AUTOSOMAL DOMINANT, TYPE 2O; Charcot-Marie-Tooth disease, axonal, type 20; Charcot-Marie-Tooth Neuropathy Type 2O. Identifiers: Orphanet 284232, MedGen C3280220, MONDO:0013644, OMIM 614228.

Allele frequency attached by ClinVar (database versions not stated): gnomAD exomes 0.00002 and 0.00003; gnomAD 0.00005 and 0.00006; TOPMed 0.00005; ESP Exome Variant Server 0.00015.
gnomAD v4.1: 56 of 1,614,110 alleles (0.0035%); highest among the groups gnomAD compares: African/African-American, 0.0053%; no homozygotes.

Submissions (5):

PreventionGenetics, part of Exact Sciences
Classification: Likely benign for DYNC1H1-related condition. Last evaluated: 2025-07-10. Review status: criteria provided, single submitter. Criteria: ACMG Guidelines, 2015. Collection method: clinical testing. Allele origin: germline.
Comment: This variant is classified as likely benign based on ACMG/AMP sequence variant interpretation guidelines (Richards et al. 2015 PMID: 25741868, with internal and published modifications).

Labcorp Genetics (formerly Invitae), Labcorp
Classification: Likely benign for Charcot-Marie-Tooth disease axonal type 2O. Last evaluated: 2025-06-14. Review status: criteria provided, single submitter. Criteria: Invitae Variant Classification Sherloc (09022015). Collection method: clinical testing. Allele origin: germline.

Women's Health and Genetics/Laboratory Corporation of America, LabCorp
Classification: Likely benign. Last evaluated: 2025-01-13. Review status: criteria provided, single submitter. Criteria: LabCorp Variant Classification Summary - May 2015. Collection method: clinical testing. Allele origin: germline.

Blueprint Genetics
Classification: Likely benign. Last evaluated: 2024-10-03. Review status: criteria provided, single submitter. Criteria: ACMG Guidelines, 2015. Collection method: clinical testing. Allele origin: germline.

Genetic Services Laboratory, University of Chicago
Classification: Uncertain significance. Last evaluated: 2015-07-17. Review status: criteria provided, single submitter. Criteria: ACMG Guidelines, 2015. Collection method: clinical testing. Allele origin: germline.